The following is an entry in ClinVar:

NM_003242.6(TGFBR2):c.277G>A (p.Glu93Lys)

Gene: TGFBR2 (transforming growth factor beta receptor 2; plus strand). Cytogenetic location: 3p24.1.
Variant type: single nucleotide variant.
Coding change: c.277G>A on transcript NM_003242.6 (MANE Select); coding-DNA position 277, G replaced by A.
Protein change: p.Glu93Lys; replaces glutamic acid 93 with lysine.
Molecular consequence: missense variant.
Genome position (GRCh38, 1-based): chr3:30,650,283, G>A. VCF-style: chr3-30650283-G-A. GRCh37 (hg19) VCF-style: chr3-30691775-G-A.
Other names: c.352G>A, p.Glu118Lys (NM_001024847.3, NM_001407126.1, NM_001407139.1); c.277G>A, p.Glu93Lys (NM_001407127.1, NM_001407130.1); c.304G>A, p.Glu102Lys (NM_001407128.1); c.172G>A, p.Glu58Lys (NM_001407129.1, NM_001407132.1, NM_001407133.1 and 3 more transcripts); short protein forms E93K, E118K, E102K, E58K.
Identifiers: ClinVar variation 920483 (VCV000920483.15), dbSNP rs766473954, ClinGen allele CA047882.

ClinVar aggregate classification (germline): Conflicting classifications of pathogenicity. Review status: criteria provided, conflicting classifications (1 of 4 stars). 5 submissions from 5 submitters: Uncertain significance (3); Likely benign (2). Last evaluated 2026-07-06.

Conditions:
Diabetic retinopathy. Identifiers: MedGen C0011884, MONDO:0005266.
Loeys-Dietz syndrome 2 (LDS2). Also called: TGFBR2-Related Loeys-Dietz Syndrome; AORTIC ANEURYSM, FAMILIAL THORACIC 3; MARFAN SYNDROME, TYPE II; Marfan Syndrome type 2; Marfan like connective tissue disorder; MFS 2. Identifiers: Orphanet 284973, Orphanet 558, MedGen C2674574, MONDO:0012427, OMIM 610168.
Familial thoracic aortic aneurysm and aortic dissection (TAAD). Also called: Thoracic aortic aneurysms and dissections. Identifiers: Orphanet 91387, MedGen C4707243, MONDO:0019625.

Allele frequency attached by ClinVar (database versions not stated): ExAC 0.00001; gnomAD exomes 0.00002 and 0.00001.
gnomAD v4.1: 11 of 1,613,794 alleles (0.00068%); highest among the groups gnomAD compares: Middle Eastern, 0.017%; no homozygotes.

Submissions (5):

Ambry Genetics
Classification: Uncertain significance for Familial thoracic aortic aneurysm and aortic dissection. Last evaluated: 2026-07-06. Review status: criteria provided, single submitter. Criteria: Ambry Variant Classification Scheme 2023. Collection method: clinical testing. Allele origin: germline.
Comment: The p.E118K variant (also known as c.352G>A), located in coding exon 4 of the TGFBR2 gene, results from a G to A substitution at nucleotide position 352. The glutamic acid at codon 118 is replaced by lysine, an amino acid with similar properties. This amino acid position is conserved. In addition, this alteration is predicted to be tolerated by in silico analysis. Based on the available evidence, the clinical significance of this variant remains unclear.

Color Diagnostics, LLC DBA Color Health
Classification: Likely benign for Familial thoracic aortic aneurysm and aortic dissection. Last evaluated: 2025-05-13. Review status: criteria provided, single submitter. Criteria: ACMG Guidelines, 2015. Collection method: clinical testing. Allele origin: germline.

Labcorp Genetics (formerly Invitae), Labcorp
Classification: Uncertain significance for Familial thoracic aortic aneurysm and aortic dissection. Last evaluated: 2024-05-08. Review status: criteria provided, single submitter. Criteria: Invitae Variant Classification Sherloc (09022015). Collection method: clinical testing. Allele origin: germline.
Comment: This sequence change replaces glutamic acid, which is acidic and polar, with lysine, which is basic and polar, at codon 93 of the TGFBR2 protein (p.Glu93Lys). This variant is present in population databases (rs766473954, gnomAD 0.01%). This variant has not been reported in the literature in individuals affected with TGFBR2-related conditions. ClinVar contains an entry for this variant (Variation ID: 920483). Advanced modeling of protein sequence and biophysical properties (such as structural, functional, and spatial information, amino acid conservation, physicochemical variation, residue mobility, and thermodynamic stability) performed at Invitae indicates that this missense variant is not expected to disrupt TGFBR2 protein function with a negative predictive value of 95%. In summary, the available evidence is currently insufficient to determine the role of this variant in disease. Therefore, it has been classified as a Variant of Uncertain Significance.

All of Us Research Program, National Institutes of Health
Classification: Uncertain significance for Loeys-Dietz syndrome 2. Last evaluated: 2023-05-04. Review status: criteria provided, single submitter. Criteria: ACMG Guidelines, 2015. Collection method: clinical testing. Allele origin: germline. Inheritance: Autosomal dominant inheritance. Observed: 1 variant allele, 1 heterozygote.
Comment: This missense variant replaces glutamic acid with lysine at codon 118 of the TGFBR2 protein. Computational prediction tool suggests that this variant may not impact protein structure and function (internally defined REVEL score threshold <=0.5, PMID: 27666373). Splice site prediction tools suggest that this variant may not impact RNA splicing. To our knowledge, functional studies have not been performed for this variant. This variant has not been reported in individuals affected with cardiovascular disorders in the literature. This variant has been identified in 4/250902 chromosomes in the general population by the Genome Aggregation Database (gnomAD). The available evidence is insufficient to determine the role of this variant in disease conclusively. Therefore, this variant is classified as a Variant of Uncertain Significance.

This study involves interpretation of variants in research participants for the purpose of population health screening. Participant phenotype was not available at the time of variant classification. Additional details can be found in publication PMID: 35346344, PMCID: PMC8962531

Clinical Genomics, Uppaluri K&H Personalized Medicine Clinic
Classification: Likely benign for Diabetic retinopathy. Review status: criteria provided, single submitter. Criteria: K And H Uppaluri Personalized Medicine Clinic Variant Classification And Assertion Criteria Updated V 2. Collection method: research. Allele origin: unknown.
Comment: Potent mutations in TGFBR2 gene encodes the transforming growth factor that have been associated with angiogenesis and diabetic retinopathy. More clinical studies are needed for stronger association. However, more evidence is required to confer the association of this particular variant rs766473954 with diabetic retinopathy.

Literature cited by the submitters: PubMed 30222965 (cited by Clinical Genomics, Uppaluri K&H Personalized Medicine Clinic); PubMed 28162229 (cited by Clinical Genomics, Uppaluri K&H Personalized Medicine Clinic); PubMed 34572573 (cited by Clinical Genomics, Uppaluri K&H Personalized Medicine Clinic).